The following is an entry in ClinVar:

ClinVar aggregate classification (germline): Uncertain significance (1 of 4 stars; one submission).

Allele frequency attached by ClinVar (database versions not stated): gnomAD exomes below 0.00001; TOPMed below 0.00001.
gnomAD v4.1: 2 of 1,613,866 alleles (0.00012%); highest among the groups gnomAD compares: Non-Finnish European, 0.00017%; no homozygotes.

Submission:

Labcorp Genetics (formerly Invitae), Labcorp
Classification: Uncertain significance. Last evaluated: 2023-10-18. Review status: criteria provided, single submitter. Criteria: Invitae Variant Classification Sherloc (09022015). Collection method: clinical testing. Allele origin: germline.
Comment: This sequence change replaces lysine, which is basic and polar, with glutamic acid, which is acidic and polar, at codon 466 of the DDX6 protein (p.Lys466Glu). This variant is not present in population databases (gnomAD no frequency). This variant has not been reported in the literature in individuals affected with DDX6-related conditions. An algorithm developed to predict the effect of missense changes on protein structure and function (PolyPhen-2) suggests that this variant is likely to be tolerated. In summary, the available evidence is currently insufficient to determine the role of this variant in disease. Therefore, it has been classified as a Variant of Uncertain Significance.

NM_004397.6(DDX6):c.1396A>G (p.Lys466Glu)

Gene: DDX6 (DEAD-box helicase 6; minus strand). Cytogenetic location: 11q23.3.
Variant type: single nucleotide variant.
Coding change: c.1396A>G on transcript NM_004397.6 (MANE Select); coding-DNA position 1396, A replaced by G.
Protein change: p.Lys466Glu; replaces lysine 466 with glutamic acid.
Molecular consequence: missense variant.
Genome position (GRCh38, 1-based): chr11:118,754,768, T>C on the plus strand (A>G on the coding strand, the complement: DDX6 is on the minus strand). VCF-style: chr11-118754768-T-C. GRCh37 (hg19) VCF-style: chr11-118625477-T-C.
Other names: c.1396A>G, p.Lys466Glu (NM_001257191.3, NM_001425145.1, NM_001425146.1); c.1393A>G, p.Lys465Glu (NM_001425147.1, NM_001425148.1); c.1267A>G, p.Lys423Glu (NM_001425149.1, NM_001425150.1); c.1249A>G, p.Lys417Glu (NM_001425151.1, NM_001425152.1); c.1120A>G, p.Lys374Glu (NM_001425153.1); c.1072A>G, p.Lys358Glu (NM_001425154.1); short protein forms K374E, K358E, K417E, K465E, K466E, K423E.
Identifiers: ClinVar variation 2769225 (VCV002769225.3), dbSNP rs1860907201, ClinGen allele CA382886913.